The following is an entry in ClinVar:

NM_001267550.2(TTN):c.15940A>G (p.Asn5314Asp)

Gene: TTN (titin; minus strand). Cytogenetic location: 2q31.2.
Variant type: single nucleotide variant.
Coding change: c.15940A>G on transcript NM_001267550.2 (MANE Select); coding-DNA position 15940, A replaced by G.
Protein change: p.Asn5314Asp; replaces asparagine 5314 with aspartic acid.
Molecular consequence: missense variant. On other transcripts: intron variant (3).
Genome position (GRCh38, 1-based): chr2:178,733,353, T>C on the plus strand (A>G on the coding strand, the complement: TTN is on the minus strand). VCF-style: chr2-178733353-T-C. GRCh37 (hg19) VCF-style: chr2-179598080-T-C.
Other names: c.14989A>G, p.Asn4997Asp (NM_001256850.1); c.12208A>G, p.Asn4070Asp (NM_133378.4); c.13282+4729A>G (NM_003319.4); c.13858+4729A>G (NM_133437.4); c.13657+4729A>G (NM_133432.3); short protein forms N5314D, N4070D, N4997D.
Identifiers: ClinVar variation 466837 (VCV000466837.13), dbSNP rs371044267, ClinGen allele CA2002128.
Genomic context (GRCh38, chr2:178,733,353, plus strand): 5'-CAAATGTGTATTGGCCACTGTCGTGCAGCTCAGCTGAATAAAATTTGAGCTGGGCAACAT[T>C]GTTTTTAAAACTTATTCGGTATTTTTTACTGGCGACCAAGGGTCTCCCATCTTTGTACCA-3'
Protein context (NP_001254479.2, residues 5304-5324): SKKYRISFKN[Asn5314Asp]VAQLKFYSAE

ClinVar aggregate classification (germline): Uncertain significance. Review status: criteria provided, multiple submitters, no conflicts (2 of 4 stars). 5 submissions from 5 submitters: Uncertain significance (5). Last evaluated 2025-12-01.

Conditions:
Dilated cardiomyopathy 1G (CMD1G). Identifiers: Orphanet 154, MedGen C1858763, MONDO:0011400, OMIM 604145.
Autosomal recessive limb-girdle muscular dystrophy type 2J (LGMDR10). Also called: Limb-girdle muscular dystrophy, type 2J; MUSCULAR DYSTROPHY, LIMB-GIRDLE, AUTOSOMAL RECESSIVE 10. Identifiers: Orphanet 140922, MedGen C1837342, MONDO:0012127, OMIM 608807.
TTN-related disorder. Also called: TTN-related disorders; TTN-related condition; TTN-related disease.
Early-onset myopathy with fatal cardiomyopathy (CMYO5). Also called: Salih Myopathy; CONGENITAL MYOPATHY 5 WITH CARDIOMYOPATHY. Identifiers: Orphanet 289377, MedGen C2673677, MONDO:0012714, OMIM 611705. Disease mechanism: loss of function.
Tibial muscular dystrophy (TMD). Also called: UDD MYOPATHY; Tibial muscular dystrophy, tardive; Udd Distal Myopathy – Tibial Muscular Dystrophy. Identifiers: Orphanet 609, MedGen C1838244, MONDO:0010870, OMIM 600334.
Myopathy, myofibrillar, 9, with early respiratory failure (MFM9). Also called: Hereditary myopathy with early respiratory failure; MYOPATHY, PROXIMAL, WITH EARLY RESPIRATORY MUSCLE INVOLVEMENT; Myopathy, distal, with early respiratory failure, autosomal dominant; EDSTROM MYOPATHY. Identifiers: Orphanet 178464, Orphanet 34521, MedGen C1863599, MONDO:0011362, OMIM 603689.
Hypertrophic cardiomyopathy 9. Also called: Familial hypertrophic cardiomyopathy 9. Identifiers: MedGen C1861065, MONDO:0013412, OMIM 613765.

Allele frequency attached by ClinVar (database versions not stated): gnomAD 0.00002; TOPMed 0.00004; gnomAD exomes 0.00005 and 0.00013; ESP Exome Variant Server 0.00008; ExAC 0.00009.
gnomAD v4.1: 34 of 1,613,752 alleles (0.0021%); highest among the groups gnomAD compares: Admixed American, 0.057%; no homozygotes.

Submissions (5):

CeGaT Center for Human Genetics Tuebingen
Classification: Uncertain significance. Last evaluated: 2025-12-01. Review status: criteria provided, single submitter. Criteria: CeGaT Center For Human Genetics Tuebingen Variant Classification Criteria Version 2. Collection method: clinical testing. Allele origin: germline. Affected: yes. Observed: 1 variant allele.

PreventionGenetics, part of Exact Sciences
Classification: Uncertain significance for TTN-related condition. Last evaluated: 2025-05-25. Review status: criteria provided, single submitter. Criteria: ACMG Guidelines, 2015. Collection method: clinical testing. Allele origin: germline.
Comment: The TTN c.15940A>G variant is predicted to result in the amino acid substitution p.Asn5314Asp. To our knowledge, this variant has not been reported in the literature. This variant is reported in 0.093% of alleles in individuals of Latino descent in gnomAD. Although we suspect that this variant may be benign, at this time, the clinical significance of this variant is uncertain due to the absence of conclusive functional and genetic evidence.

Revvity Omics, Revvity
Classification: Uncertain significance. Last evaluated: 2024-07-02. Review status: criteria provided, single submitter. Criteria: ACMG Guidelines, 2015. Collection method: clinical testing. Allele origin: germline.

Fulgent Genetics
Classification: Uncertain significance for Tibial muscular dystrophy; Myopathy, myofibrillar, 9, with early respiratory failure; Dilated cardiomyopathy 1G; Autosomal recessive limb-girdle muscular dystrophy type 2J; Early-onset myopathy with fatal cardiomyopathy; Hypertrophic cardiomyopathy 9. Last evaluated: 2021-09-15. Review status: criteria provided, single submitter. Criteria: ACMG Guidelines, 2015. Collection method: clinical testing. Allele origin: unknown.

Labcorp Genetics (formerly Invitae), Labcorp
Classification: Uncertain significance for Dilated cardiomyopathy 1G; Autosomal recessive limb-girdle muscular dystrophy type 2J. Last evaluated: 2017-07-07. Review status: criteria provided, single submitter. Criteria: Invitae Variant Classification Sherloc (09022015). Collection method: clinical testing. Allele origin: germline.